The following is an entry in ClinVar:

NM_003803.4(MYOM1):c.1291A>G (p.Thr431Ala)

Gene: MYOM1 (myomesin 1; minus strand). Cytogenetic location: 18p11.31.
Variant type: single nucleotide variant.
Coding change: c.1291A>G on transcript NM_003803.4 (MANE Select); coding-DNA position 1291, A replaced by G.
Protein change: p.Thr431Ala; replaces threonine 431 with alanine.
Molecular consequence: missense variant.
Genome position (GRCh38, 1-based): chr18:3,168,865, T>C on the plus strand (A>G on the coding strand, the complement: MYOM1 is on the minus strand). VCF-style: chr18-3168865-T-C. GRCh37 (hg19) VCF-style: chr18-3168863-T-C.
Other names: c.1291A>G, p.Thr431Ala (NM_019856.2); short protein forms T431A.
Identifiers: ClinVar variation 3223545 (VCV003223545.1), dbSNP rs2510692261, ClinGen allele CA401715208.

ClinVar aggregate classification (germline): Uncertain significance (1 of 4 stars; one submission).

Allele frequency attached by ClinVar (database versions not stated): gnomAD exomes below 0.00001.
gnomAD v4.1: 1 of 1,613,750 alleles (0.000062%); highest among the groups gnomAD compares: Non-Finnish European, 0.000085%; no homozygotes.

Submission:

Ambry Genetics
Classification: Uncertain significance. Last evaluated: 2023-12-14. Review status: criteria provided, single submitter. Criteria: Ambry Variant Classification Scheme 2023. Collection method: clinical testing. Allele origin: germline.
Comment: The p.T431A variant (also known as c.1291A>G), located in coding exon 8 of the MYOM1 gene, results from an A to G substitution at nucleotide position 1291. The threonine at codon 431 is replaced by alanine, an amino acid with similar properties. This amino acid position is conserved. In addition, this alteration is predicted to be tolerated by in silico analysis. Since supporting evidence is limited at this time, the clinical significance of this alteration remains unclear.